The following is an entry in ClinVar:

ClinVar aggregate classification (germline): Likely benign. Review status: criteria provided, multiple submitters, no conflicts (2 of 4 stars). 4 submissions from 4 submitters: Likely benign (4). Last evaluated 2026-03-27.

Conditions:
Cardiovascular phenotype. Identifiers: MedGen CN230736.
Long QT syndrome (LQTS). Identifiers: MedGen C0023976, MeSH D008133, MONDO:0002442. Disease mechanism: loss of function. Inheritance: Various modes of inheritance.

Allele frequency attached by ClinVar (database versions not stated): gnomAD exomes 0.00001 and 0.00004; ExAC 0.00007; gnomAD 0.00014 and 0.00015; ESP Exome Variant Server 0.00015; TOPMed 0.00016.
gnomAD v4.1: 37 of 1,613,704 alleles (0.0023%); highest among the groups gnomAD compares: African/African-American, 0.048%; no homozygotes.

Submissions (4):

Molecular Diagnostic Laboratory for Inherited Cardiovascular Disease, Montreal Heart Institute
Classification: Likely benign. Last evaluated: 2026-03-27. Review status: criteria provided, single submitter. Criteria: ACMG Guidelines, 2015. Collection method: clinical testing. Allele origin: germline. Affected: no.
Comment: BS1;BP7

Labcorp Genetics (formerly Invitae), Labcorp
Classification: Likely benign for Long QT syndrome. Last evaluated: 2025-04-27. Review status: criteria provided, single submitter. Criteria: Invitae Variant Classification Sherloc (09022015). Collection method: clinical testing. Allele origin: germline.

Blueprint Genetics
Classification: Likely benign. Last evaluated: 2021-07-16. Review status: criteria provided, single submitter. Criteria: ACMG Guidelines, 2015. Collection method: clinical testing. Allele origin: germline.

Ambry Genetics
Classification: Likely benign for Cardiovascular phenotype. Last evaluated: 2020-01-03. Review status: criteria provided, single submitter. Criteria: Ambry Variant Classification Scheme 2023. Collection method: clinical testing. Allele origin: germline.

NM_001148.6(ANK2):c.5577C>T (p.Pro1859=)

Genes: ANK2 (ankyrin 2; plus strand), LOC126807136 (MED14-independent group 3 enhancer GRCh37_chr4:114274931-114276130; plus strand). Cytogenetic location: 4q26.
Variant type: single nucleotide variant.
Coding change: c.5577C>T on transcript NM_001148.6 (MANE Select); coding-DNA position 5577, C replaced by T.
Protein change: p.Pro1859=; no amino-acid change (proline 1859 retained).
Molecular consequence: synonymous variant. On other transcripts: intron variant (68).
Genome position (GRCh38, 1-based): chr4:113,354,195, C>T. VCF-style: chr4-113354195-C-T. GRCh37 (hg19) VCF-style: chr4-114275351-C-T.
Other names: c.5343C>T, p.Pro1781= (NM_001386142.1); c.1977C>T, p.Pro659= (NM_001386166.1); c.5718C>T, p.Pro1906= (NM_001386174.1); c.5694C>T, p.Pro1898= (NM_001386175.1); c.4411+3946C>T (NM_001386186.2, NM_001386148.2); c.4213+3946C>T (NM_001354269.3); c.4291+3946C>T (NM_001386187.2); c.4252+3946C>T (NM_001386147.1); and 36 more.
Identifiers: ClinVar variation 1145677 (VCV001145677.11), dbSNP rs371557308, ClinGen allele CA3051257.